The following is an entry in ClinVar:

ClinVar aggregate classification (germline): Uncertain significance. Review status: criteria provided, multiple submitters, no conflicts (2 of 4 stars). 2 submissions from 2 submitters: Uncertain significance (2). Last evaluated 2025-10-09.

Conditions:
Hereditary cancer-predisposing syndrome. Also called: Tumor predisposition; Hereditary neoplastic syndrome; Neoplastic Syndromes, Hereditary; Hereditary Cancer Syndrome. Identifiers: Orphanet 140162, MedGen C0027672, MeSH D009386, MONDO:0015356.

Submissions (2):

Ambry Genetics
Classification: Uncertain significance for Hereditary cancer-predisposing syndrome. Last evaluated: 2025-10-09. Review status: criteria provided, single submitter. Criteria: Ambry Variant Classification Scheme 2023. Collection method: clinical testing. Allele origin: germline.
Comment: The p.W2276* variant (also known as c.6827G>A), located in coding exon 49 of the POLE gene, results from a G to A substitution at nucleotide position 6827. This changes the amino acid from a tryptophan to a stop codon within coding exon 49. This alteration occurs at the 3' terminus of the gene, is not expected to trigger nonsense-mediated mRNAdecay, and impacts the last 11AA of the protein. The exact functional effect of this alteration is unknown. Based on the available evidence, the clinical significance of this variant remains unclear.

Labcorp Genetics (formerly Invitae), Labcorp
Classification: Uncertain significance. Last evaluated: 2025-06-05. Review status: criteria provided, single submitter. Criteria: Invitae Variant Classification Sherloc (09022015). Collection method: clinical testing. Allele origin: germline.
Comment: This sequence change creates a premature translational stop signal (p.Trp2276*) in the POLE gene. While this is not anticipated to result in nonsense mediated decay, it is expected to disrupt the last 11 amino acid(s) of the POLE protein. This variant is not present in population databases (gnomAD no frequency). This variant has not been reported in the literature in individuals affected with POLE-related conditions. ClinVar contains an entry for this variant (Variation ID: 2199908). Experimental studies and prediction algorithms are not available or were not evaluated, and the functional significance of this variant is currently unknown. In summary, the available evidence is currently insufficient to determine the role of this variant in disease. Therefore, it has been classified as a Variant of Uncertain Significance.

NM_006231.4(POLE):c.6827G>A (p.Trp2276Ter)

Gene: POLE (DNA polymerase epsilon, catalytic subunit; minus strand). Cytogenetic location: 12q24.33.
Variant type: single nucleotide variant.
Coding change: c.6827G>A on transcript NM_006231.4 (MANE Select); coding-DNA position 6827, G replaced by A.
Protein change: p.Trp2276Ter; replaces tryptophan 2276 with a stop codon.
Molecular consequence: nonsense.
Genome position (GRCh38, 1-based): chr12:132,624,731, C>T on the plus strand (G>A on the coding strand, the complement: POLE is on the minus strand). VCF-style: chr12-132624731-C-T. GRCh37 (hg19) VCF-style: chr12-133201317-C-T.
Other names: c.6827G>A (NM_006231.2); short protein forms W2276*.
Identifiers: ClinVar variation 2199908 (VCV002199908.5), dbSNP rs2541831876, ClinGen allele CA387365649.